The following is an entry in ClinVar:

NM_006445.4(PRPF8):c.6466A>C (p.Thr2156Pro)

Gene: PRPF8 (pre-mRNA processing factor 8; minus strand). Cytogenetic location: 17p13.3.
Variant type: single nucleotide variant.
Coding change: c.6466A>C on transcript NM_006445.4 (MANE Select); coding-DNA position 6466, A replaced by C.
Protein change: p.Thr2156Pro; replaces threonine 2156 with proline.
Molecular consequence: missense variant.
Genome position (GRCh38, 1-based): chr17:1,651,692, T>G on the plus strand (A>C on the coding strand, the complement: PRPF8 is on the minus strand). VCF-style: chr17-1651692-T-G. GRCh37 (hg19) VCF-style: chr17-1554986-T-G.
Other names: c.6466A>C (NM_006445.3); short protein forms T2156P.
Identifiers: ClinVar variation 1213885 (VCV001213885.4), dbSNP rs2151109770, ClinGen allele CA397565069.
Genomic context (GRCh38, chr17:1,651,692, plus strand): 5'-CATCACTCCCCATTACCTTGAGGTACTCATGCTGGGGCAGCTGGCCAGGCAGGTGCACGG[T>G]CTGGTGAGTGCCCCACTGCGGCACCATCACAATGCAGCGGATCTCCTTCACCTGGGGGTT-3'
Protein context (NP_006436.3, residues 2146-2166): VMVPQWGTHQ[Thr2156Pro]VHLPGQLPQH

ClinVar aggregate classification (germline): Uncertain significance. Review status: criteria provided, multiple submitters, no conflicts (2 of 4 stars). 3 submissions from 3 submitters: Uncertain significance (3). Last evaluated 2024-05-24.

Conditions:
Retinitis pigmentosa 13 (RP13). Also called: PRPF 8-Related Retinitis Pigmentosa. Identifiers: Orphanet 791, MedGen C1838702, MONDO:0010806, OMIM 600059.

Submissions (3):

GeneDx
Classification: Uncertain significance. Last evaluated: 2024-05-24. Review status: criteria provided, single submitter. Criteria: GeneDx Variant Classification Process June 2021. Collection method: clinical testing. Allele origin: germline. Affected: yes.
Comment: Not observed at significant frequency in large population cohorts (gnomAD); In silico analysis indicates that this missense variant does not alter protein structure/function; Has not been previously published as pathogenic or benign to our knowledge

Blueprint Genetics
Classification: Uncertain significance. Last evaluated: 2021-07-12. Review status: criteria provided, single submitter. Criteria: ACMG Guidelines, 2015. Collection method: clinical testing. Allele origin: germline.

DBGen Ocular Genomics
Classification: Uncertain significance for Retinitis pigmentosa 13. Last evaluated: 2021-06-21. Review status: criteria provided, single submitter. Criteria: ACMG Guidelines, 2015. Collection method: clinical testing. Allele origin: germline. Affected: yes. Observed: 1 variant allele.